The following is an entry in ClinVar:

ClinVar aggregate classification (germline): Uncertain significance. Review status: criteria provided, single submitter (1 of 4 stars). 2 submissions from 2 submitters: Uncertain significance (1). 1 of the submissions does not count toward it. Last evaluated 2025-12-22.

Conditions:
SLC10A2-related disorder. Also called: SLC10A2-related condition.

Allele frequency attached by ClinVar (database versions not stated): gnomAD exomes 0.00008; ExAC 0.00009; gnomAD 0.00012.

Submissions (2):

Labcorp Genetics (formerly Invitae), Labcorp
Classification: Uncertain significance. Last evaluated: 2025-12-22. Review status: criteria provided, single submitter. Criteria: Invitae Variant Classification Sherloc (09022015). Collection method: clinical testing. Allele origin: germline.
Comment: This variant, c.162_203dup, results in the insertion of 14 amino acid(s) of the SLC10A2 protein (p.Ile55_Ile68dup), but otherwise preserves the integrity of the reading frame. This variant is present in population databases (rs771764484, gnomAD 0.03%). This variant has not been reported in the literature in individuals affected with SLC10A2-related conditions. ClinVar contains an entry for this variant (Variation ID: 2195543). In summary, the available evidence is currently insufficient to determine the role of this variant in disease. Therefore, it has been classified as a Variant of Uncertain Significance.

PreventionGenetics, part of Exact Sciences
Classification: Uncertain significance for SLC10A2-related condition. Last evaluated: 2024-03-27. Review status: no assertion criteria provided. Collection method: clinical testing. Allele origin: germline. Not counted in ClinVar's aggregate classification.
Comment: The SLC10A2 c.162_203dup42 variant is predicted to result in an in-frame duplication (p.Ile55_Ile68dup). To our knowledge, this variant has not been reported in the literature. This variant is reported in 0.034% of alleles in individuals of Latino descent in gnomAD. At this time, the clinical significance of this variant is uncertain due to the absence of conclusive functional and genetic evidence.

NM_000452.3(SLC10A2):c.162_203dup (p.Ile68_Cys69insIleLysLysPheLeuGlyHisIleLysArgProTrpGlyIle)

Gene: SLC10A2 (solute carrier family 10 member 2; minus strand). Cytogenetic location: 13q33.1.
Variant type: Duplication.
Coding change: c.162_203dup on transcript NM_000452.3 (MANE Select); coding-DNA positions 162 to 203, 42 bases duplicated.
Protein change: p.Ile68_Cys69insIleLysLysPheLeuGlyHisIleLysArgProTrpGlyIle.
Molecular consequence: inframe insertion.
Genome position (GRCh38, 1-based): chr13:103,066,047-103,066,088, 42 bases duplicated. GRCh37 (hg19): chr13:103,718,397-103,718,438.
Other names: c.162_203dup42 (NM_000452.2).
Identifiers: ClinVar variation 2195543 (VCV002195543.6), dbSNP rs771764484, ClinGen allele CA7042310.
Genomic context (GRCh38, chr13:103,066,046, plus strand): 5'-CACCGACAGGATGAATCCTGTGAGGGGCATGATTCCAAACTGACAGAGGAAGCCAACACA[A>AATGCCCCACGGCCGCTTTATGTGCCCTAGAAATTTCTTGATT]ATGCCCCACGGCCGCTTTATGTGCCCTAGAAATTTCTTGATTTCCACGTTGCATCCCATG-3'